The following is an entry in ClinVar:

ClinVar aggregate classification (germline): Likely benign (0 of 4 stars; one submission).

Conditions:
RAD51B-related disorder. Also called: RAD51B-related condition.

Submission:

PreventionGenetics, part of Exact Sciences
Classification: Likely benign for RAD51B-related condition. Last evaluated: 2020-03-17. Review status: no assertion criteria provided. Collection method: clinical testing. Allele origin: germline.
Comment: This variant is classified as likely benign based on ACMG/AMP sequence variant interpretation guidelines (Richards et al. 2015 PMID: 25741868, with internal and published modifications).

NM_133510.4(RAD51B):c.316-13_316-3dup

Gene: RAD51B (RAD51 paralog B; plus strand). Cytogenetic location: 14q24.1.
Variant type: Duplication.
Coding change: c.316-13_316-3dup on transcript NM_133510.4 (MANE Select); 13 bases into the intron before coding-DNA position 316 through 3 bases into the intron before coding-DNA position 316, 11 bases duplicated (TTTTTTTTTTT).
Molecular consequence: intron variant.
Genome position (GRCh38, 1-based): chr14:67,864,990-67,865,000, TTTTTTTTTTT duplicated; duplicating any 11 consecutive bases within chr14:67,864,962-67,865,000 gives the same sequence; the c. name uses the placement nearest the transcript's 3' end. VCF-style (leftmost placement, unchanged base first): chr14-67864961-C-CTTTTTTTTTTT. GRCh37 (hg19) VCF-style: chr14-68331678-C-CTTTTTTTTTTT.
Other names: c.316-13_316-3dup (NM_001321818.2, NM_001321809.2, NM_001321821.2 and 6 more transcripts); c.-42-13_-42-3dup (NM_001321817.2); c.202-13_202-3dup (NM_001321815.1).
Identifiers: ClinVar variation 3048756 (VCV003048756.2), dbSNP rs745505141, ClinGen allele CA964257155.